The following is an entry in ClinVar:

ClinVar aggregate classification (germline): Pathogenic. Review status: criteria provided, multiple submitters, no conflicts (2 of 4 stars). 14 submissions from 14 submitters: Pathogenic (12). 2 of the submissions do not count toward it. Last evaluated 2025-12-11.

Conditions:
Chondrosarcoma. Also called: Chondrosarcoma, somatic. Identifiers: Orphanet 55880, MedGen C0008479, MONDO:0008977, OMIM 215300, HP:0006765.
Exostoses, multiple, type 1 (EXT1). Also called: EXOSTOSES, MULTIPLE, TYPE I; Hereditary Multiple Osteochondromatosis, Type I. Identifiers: MedGen CN263289, MONDO:0007585, OMIM 133700.
EXT1-related disorders.
Multiple congenital exostosis (EXT). Also called: Multiple osteochondromas; Hereditary multiple osteochondromas; MULTIPLE CARTILAGINOUS EXOSTOSES; Hereditary multiple exostoses; Hereditary multiple exostosis; Multiple exostoses. Identifiers: Orphanet 321, MedGen C0015306, MONDO:0005508, HP:0002762.

Allele frequency attached by ClinVar (database versions not stated): gnomAD exomes below 0.00001.

Submissions (14):

Medical and Scientific Branch, Hong Kong Genome Institute
Classification: Pathogenic for Exostoses, multiple, type 1. Last evaluated: 2025-12-11. Review status: criteria provided, single submitter. Criteria: ACMG Guidelines, 2015. Collection method: clinical testing. Allele origin: germline. Affected: yes.

3billion
Classification: Pathogenic for Exostoses, multiple, type 1. Last evaluated: 2025-10-07. Review status: criteria provided, single submitter. Criteria: ACMG Guidelines, 2015. Collection method: clinical testing. Allele origin: germline. Affected: yes.
Comment: The variant is observed at an extremely low frequency in the gnomAD v4.1.0 dataset (total allele frequency: <0.001%). Predicted Consequence/Location: Frameshift: predicted to result in a loss or disruption of normal protein function through nonsense-mediated decay (NMD) or protein truncation. Multiple pathogenic variants are reported downstream of the variant. The variant has been reported at least twice as pathogenic with clinical assertions and evidence for the classification (ClinVar ID: VCV000265131 /PMID: 7550340). Therefore, this variant is classified as Pathogenic according to the recommendation of ACMG/AMP guideline.

Labcorp Genetics (formerly Invitae), Labcorp
Classification: Pathogenic for Multiple congenital exostosis. Last evaluated: 2025-05-07. Review status: criteria provided, single submitter. Criteria: Invitae Variant Classification Sherloc (09022015). Collection method: clinical testing. Allele origin: germline.
Comment: This sequence change creates a premature translational stop signal (p.Leu490Argfs*9) in the EXT1 gene. It is expected to result in an absent or disrupted protein product. Loss-of-function variants in EXT1 are known to be pathogenic (PMID: 10679937, 11391482, 19810120). This variant is not present in population databases (gnomAD no frequency). This premature translational stop signal has been observed in individuals with multiple osteochondromas and hereditary multiple osteochondromas (PMID: 7550340, 23439489, 29126381). It has also been observed to segregate with disease in related individuals. Invitae Evidence Modeling of clinical and family history, age, sex, and reported ancestry of multiple individuals with this EXT1 variant has been performed. This variant is expected to be pathogenic with a positive predictive value of at least 99%. This is a validated machine learning model that incorporates the clinical features of 66,185 individuals referred to our laboratory for EXT1 testing. ClinVar contains an entry for this variant (Variation ID: 265131). For these reasons, this variant has been classified as Pathogenic.

Department of Human Genetics, Hannover Medical School
Classification: Pathogenic for Exostoses, multiple, type 1. Last evaluated: 2024-07-30. Review status: criteria provided, single submitter. Criteria: ACMG Guidelines, 2015. Collection method: clinical testing. Allele origin: germline. Affected: yes.

Baylor Genetics
Classification: Pathogenic for Chondrosarcoma. Last evaluated: 2023-12-12. Review status: criteria provided, single submitter. Criteria: ACMG Guidelines, 2015. Collection method: clinical testing. Allele origin: unknown.

Blueprint Genetics
Classification: Pathogenic for EXT1-related disorders. Last evaluated: 2023-10-03. Review status: criteria provided, single submitter. Criteria: ACMG Guidelines, 2015. Collection method: clinical testing. Allele origin: germline. Affected: yes. Observed: 2 variant alleles.

Greenwood Genetic Center Diagnostic Laboratories, Greenwood Genetic Center
Classification: Pathogenic for Exostoses, multiple, type 1. Last evaluated: 2022-12-14. Review status: criteria provided, single submitter. Criteria: ACMG Guidelines, 2015. Collection method: clinical testing. Allele origin: germline. Affected: yes.
Comment: PVS1, PS4, PM2, PM6

Laboratory of Medical Genetics, National & Kapodistrian University of Athens
Classification: Pathogenic for Exostoses, multiple, type 1. Last evaluated: 2022-03-24. Review status: criteria provided, single submitter. Criteria: ACMG Guidelines, 2015. Collection method: clinical testing. Allele origin: germline. Affected: yes.
Comment: PVS1, PM2, PP3, PP5

GeneDx
Classification: Pathogenic. Last evaluated: 2021-11-17. Review status: criteria provided, single submitter. Criteria: GeneDx Variant Classification Process June 2021. Collection method: clinical testing. Allele origin: germline. Affected: yes.
Comment: Frameshift variant predicted to result in protein truncation or nonsense mediated decay in a gene for which loss-of-function is a known mechanism of disease; Not observed in large population cohorts (Lek et al., 2016); This variant is associated with the following publications: (PMID: 23439489, 10679937, 29529714, 23262345, 18165274, 16088908, 9326317, 11432960, 17301954, 9150727, 9463333, 10480354, 7550340, 21039224, 29126381, 19810120, 11391482, 30334991, 30806661, 33632255, 32293802, 33552269)

Institute of Human Genetics, University Hospital of Duesseldorf
Classification: Pathogenic for Exostoses, multiple, type 1. Review status: criteria provided, single submitter. Criteria: ACMG Guidelines, 2015. Collection method: not provided. Allele origin: germline. Inheritance: Autosomal dominant inheritance. Affected: yes.

Juno Genomics, Hangzhou Juno Genomics, Inc
Classification: Pathogenic for Chondrosarcoma; Exostoses, multiple, type 1. Review status: criteria provided, single submitter. Criteria: ACMG Guidelines, 2015. Collection method: clinical testing. Allele origin: germline.
Comment: Absent from controls (or at extremely low frequency if recessive) in Genome Aggregation Database.;Null variant in a gene where loss of function (LOF) is a known mechanism of disease.;The prevalence of the variant in affected individuals is significantly increased compared to the prevalence in controls.;Patient's phenotype or family history is highly specific for a disease with a single genetic etiology.;Assumed de novo, but without confirmation of paternity and maternity.

Neuberg Centre For Genomic Medicine, NCGM
Classification: Pathogenic for Exostoses, multiple, type 1. Review status: criteria provided, single submitter. Criteria: ACMG Guidelines, 2015. Collection method: clinical testing. Allele origin: germline. Inheritance: Autosomal dominant inheritance. Affected: yes.
Comment: The observed frameshift variant has been reported in heterozygous state in multiple individuals affected with Exostoses

Biochemical Molecular Genetic Laboratory, King Abdulaziz Medical City
Classification: Pathogenic for Exostoses, multiple, type 1. Last evaluated: 2019-09-26. Review status: no assertion criteria provided. Collection method: clinical testing. Allele origin: germline. Affected: yes. Not counted in ClinVar's aggregate classification.

OMIM
Classification: Pathogenic for EXOSTOSES, MULTIPLE, TYPE I. Last evaluated: 1995-10-01. Review status: no assertion criteria provided. Collection method: literature only. Allele origin: germline. Not counted in ClinVar's aggregate classification.

Literature cited by the submitters: PubMed 7550340 (cited by 3 submitters); PubMed 10679937 (cited by Labcorp Genetics (formerly Invitae), Labcorp); PubMed 11391482 (cited by Labcorp Genetics (formerly Invitae), Labcorp); PubMed 19810120 (cited by Labcorp Genetics (formerly Invitae), Labcorp); PubMed 23439489 (cited by Labcorp Genetics (formerly Invitae), Labcorp); PubMed 29126381 (cited by Labcorp Genetics (formerly Invitae), Labcorp).

NM_000127.3(EXT1):c.1469del (p.Leu490fs)

Gene: EXT1 (exostosin glycosyltransferase 1; minus strand). Cytogenetic location: 8q24.11.
Variant type: Deletion.
Coding change: c.1469del on transcript NM_000127.3 (MANE Select); coding-DNA position 1469, one base deleted (T; older notation c.1469delT).
Protein change: p.Leu490fs; shifts the reading frame from leucine 490.
Molecular consequence: frameshift variant.
Genome position (GRCh38, 1-based): chr8:117,819,743, A deleted on the plus strand (T on the coding strand, the reverse complement: EXT1 is on the minus strand). VCF-style (leftmost placement, unchanged base first): chr8-117819742-CA-C. GRCh37 (hg19) VCF-style: chr8-118831981-CA-C.
Other names: c.1469delT (NM_000127.2); short protein forms L490fs.
Identifiers: ClinVar variation 265131 (VCV000265131.30), dbSNP rs886039356, ClinGen allele CA10588447.